The following is an entry in ClinVar:

ClinVar aggregate classification (germline): Uncertain significance. Review status: criteria provided, multiple submitters, no conflicts (2 of 4 stars). 2 submissions from 2 submitters: Uncertain significance (2). Last evaluated 2026-04-20.

Conditions:
TTN-related disorder. Also called: TTN-related condition; TTN-related disease; TTN-related disorders.

Allele frequency attached by ClinVar (database versions not stated): gnomAD exomes 0.00001; ExAC 0.00002; gnomAD 0.00002; TOPMed 0.00003; ESP Exome Variant Server 0.00008.
gnomAD v4.1: 17 of 1,614,032 alleles (0.0011%); highest among the groups gnomAD compares: South Asian, 0.0055%; no homozygotes.

Submissions (2):

PreventionGenetics, part of Exact Sciences
Classification: Uncertain significance for TTN-related condition. Last evaluated: 2026-04-20. Review status: criteria provided, single submitter. Criteria: ACMG Guidelines, 2015. Collection method: clinical testing. Allele origin: germline.
Comment: The TTN c.544G>A variant is predicted to result in the amino acid substitution p.Val182Ile. To our knowledge, this variant has not been reported in the literature. This variant is reported in 0.0065% of alleles in individuals of South Asian descent in gnomAD. At this time, the clinical significance of this variant is uncertain due to the absence of conclusive functional and genetic evidence.

Revvity Omics, Revvity
Classification: Uncertain significance. Last evaluated: 2025-07-11. Review status: criteria provided, single submitter. Criteria: ACMG Guidelines, 2015. Collection method: clinical testing. Allele origin: germline.

NM_001267550.2(TTN):c.544G>A (p.Val182Ile)

Gene: TTN (titin; minus strand). Cytogenetic location: 2q31.2.
Variant type: single nucleotide variant.
Coding change: c.544G>A on transcript NM_001267550.2 (MANE Select); coding-DNA position 544, G replaced by A.
Protein change: p.Val182Ile; replaces valine 182 with isoleucine.
Molecular consequence: missense variant.
Genome position (GRCh38, 1-based): chr2:178,800,434, C>T on the plus strand (G>A on the coding strand, the complement: TTN is on the minus strand). VCF-style: chr2-178800434-C-T. GRCh37 (hg19) VCF-style: chr2-179665161-C-T.
Other names: c.544G>A, p.Val182Ile (NM_001256850.1, NM_003319.4, NM_133378.4 and 3 more transcripts); short protein forms V182I.
Identifiers: ClinVar variation 2438179 (VCV002438179.4), dbSNP rs370941860, ClinGen allele CA2006308.